The following is an entry in ClinVar:

NM_015046.7(SETX):c.3598A>T (p.Ser1200Cys)

Gene: SETX (senataxin; minus strand). Cytogenetic location: 9q34.13.
Variant type: single nucleotide variant.
Coding change: c.3598A>T on transcript NM_015046.7 (MANE Select); coding-DNA position 3598, A replaced by T.
Protein change: p.Ser1200Cys; replaces serine 1200 with cysteine.
Molecular consequence: missense variant.
Genome position (GRCh38, 1-based): chr9:132,328,000, T>A on the plus strand (A>T on the coding strand, the complement: SETX is on the minus strand). VCF-style: chr9-132328000-T-A. GRCh37 (hg19) VCF-style: chr9-135203387-T-A.
Other names: c.3598A>T, p.Ser1200Cys (NM_001351527.2, NM_001351528.2); short protein forms S1200C.
Identifiers: ClinVar variation 2933256 (VCV002933256.3), dbSNP rs2539106674, ClinGen allele CA375330011.

ClinVar aggregate classification (germline): Uncertain significance (1 of 4 stars; one submission).

Conditions:
Amyotrophic lateral sclerosis type 4 (ALS4). Also called: AMYOTROPHIC LATERAL SCLEROSIS 4, JUVENILE; NEURONOPATHY, DISTAL HEREDITARY MOTOR, WITH PYRAMIDAL FEATURES. Identifiers: Orphanet 357043, MedGen C1865409, MONDO:0011223, OMIM 602433.
Spinocerebellar ataxia, autosomal recessive, with axonal neuropathy 2 (SCAN2). Also called: ATAXIA-OCULOMOTOR APRAXIA 2; Ataxia with Oculomotor Apraxia Type 2; Ataxia-ocular apraxia-2; Ataxia with Oculomotor Apraxia. Identifiers: Orphanet 64753, MedGen C1853761, MONDO:0018996, OMIM 606002.

Submission:

Labcorp Genetics (formerly Invitae), Labcorp
Classification: Uncertain significance for Amyotrophic lateral sclerosis type 4; Spinocerebellar ataxia, autosomal recessive, with axonal neuropathy 2. Last evaluated: 2023-11-05. Review status: criteria provided, single submitter. Criteria: Invitae Variant Classification Sherloc (09022015). Collection method: clinical testing. Allele origin: germline.
Comment: This sequence change replaces serine, which is neutral and polar, with cysteine, which is neutral and slightly polar, at codon 1200 of the SETX protein (p.Ser1200Cys). This variant is not present in population databases (gnomAD no frequency). This variant has not been reported in the literature in individuals affected with SETX-related conditions. Advanced modeling of protein sequence and biophysical properties (such as structural, functional, and spatial information, amino acid conservation, physicochemical variation, residue mobility, and thermodynamic stability) performed at Invitae indicates that this missense variant is not expected to disrupt SETX protein function with a negative predictive value of 95%. In summary, the available evidence is currently insufficient to determine the role of this variant in disease. Therefore, it has been classified as a Variant of Uncertain Significance.